The following is an entry in ClinVar:

ClinVar aggregate classification (germline): Uncertain significance. Review status: criteria provided, multiple submitters, no conflicts (2 of 4 stars). 2 submissions from 2 submitters: Uncertain significance (2). Last evaluated 2025-11-10.

Conditions:
Hereditary cancer-predisposing syndrome. Also called: Tumor predisposition; Neoplastic Syndromes, Hereditary; Hereditary Cancer Syndrome; Hereditary neoplastic syndrome. Identifiers: Orphanet 140162, MedGen C0027672, MeSH D009386, MONDO:0015356.
Familial cancer of breast. Also called: BREAST CANCER, FAMILIAL; Hereditary breast cancer; hereditary breast carcinoma. Identifiers: Orphanet 227535, MedGen C0346153, MONDO:0016419, OMIM 114480. Disease mechanism: loss of function.

Submissions (2):

Labcorp Genetics (formerly Invitae), Labcorp
Classification: Uncertain significance for Familial cancer of breast. Last evaluated: 2025-11-10. Review status: criteria provided, single submitter. Criteria: Invitae Variant Classification Sherloc (09022015). Collection method: clinical testing. Allele origin: germline.
Comment: This sequence change replaces serine, which is neutral and polar, with leucine, which is neutral and non-polar, at codon 254 of the PALB2 protein (p.Ser254Leu). This variant is not present in population databases (gnomAD no frequency). This variant has not been reported in the literature in individuals affected with PALB2-related conditions. ClinVar contains an entry for this variant (Variation ID: 1905856). An algorithm developed to predict the effect of missense changes on protein structure and function outputs the following: PolyPhen-2: "Benign". The leucine amino acid residue is found in multiple mammalian species, which suggests that this missense change does not adversely affect protein function. In summary, the available evidence is currently insufficient to determine the role of this variant in disease. Therefore, it has been classified as a Variant of Uncertain Significance.

Ambry Genetics
Classification: Uncertain significance for Hereditary cancer-predisposing syndrome. Last evaluated: 2024-12-06. Review status: criteria provided, single submitter. Criteria: Ambry Variant Classification Scheme 2023. Collection method: clinical testing. Allele origin: germline.
Comment: The p.S254L variant (also known as c.761C>T), located in coding exon 4 of the PALB2 gene, results from a C to T substitution at nucleotide position 761. The serine at codon 254 is replaced by leucine, an amino acid with dissimilar properties. This amino acid position is conserved. In addition, this alteration is predicted to be tolerated by in silico analysis. Based on the available evidence, the clinical significance of this variant remains unclear.

NM_024675.4(PALB2):c.761C>T (p.Ser254Leu)

Gene: PALB2 (partner and localizer of BRCA2; minus strand). Cytogenetic location: 16p12.2.
Variant type: single nucleotide variant.
Coding change: c.761C>T on transcript NM_024675.4 (MANE Select); coding-DNA position 761, C replaced by T.
Protein change: p.Ser254Leu; replaces serine 254 with leucine.
Molecular consequence: missense variant.
Genome position (GRCh38, 1-based): chr16:23,635,785, G>A on the plus strand (C>T on the coding strand, the complement: PALB2 is on the minus strand). VCF-style: chr16-23635785-G-A. GRCh37 (hg19) VCF-style: chr16-23647106-G-A.
Other names: c.701C>T, p.Ser234Leu (NM_001407296.1); c.761C>T, p.Ser254Leu (NM_001407297.1, NM_001407298.1, NM_001407299.1 and 3 more transcripts); c.-125C>T (NM_001407304.1, NM_001407305.1, NM_001407306.1 and 5 more transcripts); short protein forms S234L, S254L.
Identifiers: ClinVar variation 1905856 (VCV001905856.8), dbSNP rs864622695, ClinGen allele CA395136150.